The following is an entry in ClinVar:

NM_001271.4(CHD2):c.1738A>C (p.Ile580Leu)

Gene: CHD2 (chromodomain helicase DNA binding protein 2; plus strand). Cytogenetic location: 15q26.1.
Variant type: single nucleotide variant.
Coding change: c.1738A>C on transcript NM_001271.4 (MANE Select); coding-DNA position 1738, A replaced by C.
Protein change: p.Ile580Leu; replaces isoleucine 580 with leucine.
Molecular consequence: missense variant.
Genome position (GRCh38, 1-based): chr15:92,955,441, A>C. VCF-style: chr15-92955441-A-C. GRCh37 (hg19) VCF-style: chr15-93498671-A-C.
Other names: short protein forms I580L.
Identifiers: ClinVar variation 2849193 (VCV002849193.3), dbSNP rs2053606733, ClinGen allele CA393905543.

ClinVar aggregate classification (germline): Uncertain significance (1 of 4 stars; one submission).

Conditions:
Developmental and epileptic encephalopathy 94 (DEE94). Also called: CHD2-Related Neurodevelopmental Disorders; Epileptic encephalopathy, childhood-onset. Identifiers: Orphanet 1942, Orphanet 2382, MedGen C3809278, MONDO:0014150, OMIM 615369.

Allele frequency attached by ClinVar (database versions not stated): gnomAD exomes below 0.00001.
gnomAD v4.1: 2 of 1,594,188 alleles (0.00013%); highest among the groups gnomAD compares: South Asian, 0.0023%; no homozygotes.

Submission:

Labcorp Genetics (formerly Invitae), Labcorp
Classification: Uncertain significance for Developmental and epileptic encephalopathy 94. Last evaluated: 2024-05-23. Review status: criteria provided, single submitter. Criteria: Invitae Variant Classification Sherloc (09022015). Collection method: clinical testing. Allele origin: germline.
Comment: This sequence change replaces isoleucine, which is neutral and non-polar, with leucine, which is neutral and non-polar, at codon 580 of the CHD2 protein (p.Ile580Leu). This variant is not present in population databases (gnomAD no frequency). This variant has not been reported in the literature in individuals affected with CHD2-related conditions. Advanced modeling of protein sequence and biophysical properties (such as structural, functional, and spatial information, amino acid conservation, physicochemical variation, residue mobility, and thermodynamic stability) performed at Invitae indicates that this missense variant is not expected to disrupt CHD2 protein function with a negative predictive value of 95%. In summary, the available evidence is currently insufficient to determine the role of this variant in disease. Therefore, it has been classified as a Variant of Uncertain Significance.